The following is an entry in ClinVar:

ClinVar aggregate classification (germline): Uncertain significance (1 of 4 stars; one submission).

gnomAD v4.1: 1 of 1,614,124 alleles (0.000062%); highest among the groups gnomAD compares: Non-Finnish European, 0.000085%; no homozygotes.

Submission:

GeneDx
Classification: Uncertain significance. Last evaluated: 2025-03-18. Review status: criteria provided, single submitter. Criteria: GeneDx Variant Classification Process June 2021. Collection method: clinical testing. Allele origin: germline. Affected: yes.
Comment: Not observed at significant frequency in large population cohorts (gnomAD); In silico analysis indicates that this missense variant does not alter protein structure/function; Has not been previously published as pathogenic or benign to our knowledge

NM_001510.4(GRID2):c.2744C>T (p.Ala915Val)

Gene: GRID2 (glutamate ionotropic receptor delta type subunit 2; plus strand). Cytogenetic location: 4q22.2.
Variant type: single nucleotide variant.
Coding change: c.2744C>T on transcript NM_001510.4 (MANE Select); coding-DNA position 2744, C replaced by T.
Protein change: p.Ala915Val; replaces alanine 915 with valine.
Molecular consequence: missense variant. On other transcripts: intron variant (1).
Genome position (GRCh38, 1-based): chr4:93,772,218, C>T. VCF-style: chr4-93772218-C-T. GRCh37 (hg19) VCF-style: chr4-94693369-C-T.
Other names: c.2459C>T, p.Ala820Val (NM_001286838.1); c.2601+2768C>T (NM_001440459.1); short protein forms A820V, A915V.
Identifiers: ClinVar variation 4086731 (VCV004086731.1).